The following is an entry in ClinVar:

NM_000051.4(ATM):c.3078-11C>A

Gene: ATM (ATM serine/threonine kinase; plus strand). Cytogenetic location: 11q22.3.
Variant type: single nucleotide variant.
Coding change: c.3078-11C>A on transcript NM_000051.4 (MANE Select); 11 bases into the intron before coding-DNA position 3078, C replaced by A.
Molecular consequence: intron variant.
Genome position (GRCh38, 1-based): chr11:108,272,521, C>A. VCF-style: chr11-108272521-C-A. GRCh37 (hg19) VCF-style: chr11-108143248-C-A.
Other names: c.3078-11C>A (NM_001351834.2).
Identifiers: ClinVar variation 630524 (VCV000630524.5), dbSNP rs756972430, ClinGen allele CA913187689.
Genomic context (GRCh38, chr11:108,272,521, plus strand): 5'-CCTTTCAGTGAGTTTTCTGAGTGCTTTTATCAGAATGATTATTTAACTTTGGAAAACTTA[C>A]TTGATTTCAGGCATCTAACAAAGGAGAGGAAATATATATTCTCTGTAAGAATGGCCCTAG-3'

ClinVar aggregate classification (germline): Uncertain significance (1 of 4 stars; one submission).

Conditions:
Hereditary cancer-predisposing syndrome. Also called: Tumor predisposition; Neoplastic Syndromes, Hereditary; Hereditary neoplastic syndrome; Hereditary Cancer Syndrome. Identifiers: Orphanet 140162, MedGen C0027672, MeSH D009386, MONDO:0015356.

Submission:

Color Diagnostics, LLC DBA Color Health
Classification: Uncertain significance for Hereditary cancer-predisposing syndrome. Last evaluated: 2024-04-15. Review status: criteria provided, single submitter. Criteria: ACMG Guidelines, 2015. Collection method: clinical testing. Allele origin: germline.
Comment: This variant causes a C to A nucleotide substitution at the -11 position of intron 20 of the ATM gene. Splice site prediction tools are inconclusive regarding the impact of this variant on RNA splicing. To our knowledge, functional studies have not been reported for this variant. This variant has not been reported in individuals affected with ATM-related disorders in the literature. This variant has not been identified in the general population by the Genome Aggregation Database (gnomAD). The available evidence is insufficient to determine the role of this variant in disease conclusively. Therefore, this variant is classified as a Variant of Uncertain Significance.